The following is an entry in ClinVar:

NM_001101362.3(KBTBD13):c.174C>A (p.Phe58Leu)

Gene: KBTBD13 (kelch repeat and BTB domain containing 13; plus strand). Cytogenetic location: 15q22.31.
Variant type: single nucleotide variant.
Coding change: c.174C>A on transcript NM_001101362.3 (MANE Select); coding-DNA position 174, C replaced by A.
Protein change: p.Phe58Leu; replaces phenylalanine 58 with leucine.
Molecular consequence: missense variant.
Genome position (GRCh38, 1-based): chr15:65,076,989, C>A. VCF-style: chr15-65076989-C-A. GRCh37 (hg19) VCF-style: chr15-65369327-C-A.
Other names: short protein forms F58L.
Identifiers: ClinVar variation 2160014 (VCV002160014.6), dbSNP rs1022123133, ClinGen allele CA271502964.

ClinVar aggregate classification (germline): Uncertain significance. Review status: criteria provided, multiple submitters, no conflicts (2 of 4 stars). 2 submissions from 2 submitters: Uncertain significance (2). Last evaluated 2023-04-17.

Conditions:
Nemaline myopathy 6 (NEM6). Also called: Nemaline myopathy 6, autosomal dominant. Identifiers: Orphanet 171439, MedGen C1836472, MONDO:0012237, OMIM 609273.
Inborn genetic diseases. Identifiers: MedGen C0950123, MeSH D030342.

Allele frequency attached by ClinVar (database versions not stated): gnomAD 0.00002; TOPMed 0.00003.

Submissions (2):

Ambry Genetics
Classification: Uncertain significance for Inborn genetic diseases. Last evaluated: 2023-04-17. Review status: criteria provided, single submitter. Criteria: Ambry Variant Classification Scheme 2023. Collection method: clinical testing. Allele origin: germline.

Labcorp Genetics (formerly Invitae), Labcorp
Classification: Uncertain significance for Nemaline myopathy 6. Last evaluated: 2023-04-07. Review status: criteria provided, single submitter. Criteria: Invitae Variant Classification Sherloc (09022015). Collection method: clinical testing. Allele origin: germline.
Comment: In summary, the available evidence is currently insufficient to determine the role of this variant in disease. Therefore, it has been classified as a Variant of Uncertain Significance. Advanced modeling of protein sequence and biophysical properties (such as structural, functional, and spatial information, amino acid conservation, physicochemical variation, residue mobility, and thermodynamic stability) performed at Invitae indicates that this missense variant is not expected to disrupt KBTBD13 protein function. ClinVar contains an entry for this variant (Variation ID: 2160014). This variant has not been reported in the literature in individuals affected with KBTBD13-related conditions. This variant is present in population databases (no rsID available, gnomAD 0.01%). This sequence change replaces phenylalanine, which is neutral and non-polar, with leucine, which is neutral and non-polar, at codon 58 of the KBTBD13 protein (p.Phe58Leu).